The following is an entry in ClinVar:

ClinVar aggregate classification (germline): Conflicting classifications of pathogenicity. Review status: criteria provided, conflicting classifications (1 of 4 stars). 2 submissions from 2 submitters: Uncertain significance (1); Likely benign (1). Last evaluated 2025-05-29.

Conditions:
GATA3-related disorder. Also called: GATA3-related condition.
Hypoparathyroidism, deafness, renal disease syndrome (HDRS). Also called: HYPOPARATHYROIDISM, SENSORINEURAL DEAFNESS, AND RENAL DYSPLASIA SYNDROME. Identifiers: Orphanet 2237, MedGen C1840333, MONDO:0007797, OMIM 146255.

Allele frequency attached by ClinVar (database versions not stated): TOPMed 0.00001.
gnomAD v4.1: 27 of 1,610,480 alleles (0.0017%); highest among the groups gnomAD compares: Middle Eastern, 0.016%; no homozygotes.

Submissions (2):

PreventionGenetics, part of Exact Sciences
Classification: Likely benign for GATA3-related condition. Last evaluated: 2025-05-29. Review status: criteria provided, single submitter. Criteria: ACMG Guidelines, 2015. Collection method: clinical testing. Allele origin: germline.
Comment: This variant is classified as likely benign based on ACMG/AMP sequence variant interpretation guidelines (Richards et al. 2015 PMID: 25741868, with internal and published modifications).

Illumina Laboratory Services, Illumina
Classification: Uncertain significance for Hypoparathyroidism, deafness, renal disease syndrome. Last evaluated: 2018-01-12. Review status: criteria provided, single submitter. Criteria: ICSL Variant Classification Criteria 13 December 2019. Collection method: clinical testing. Allele origin: germline.

NM_001002295.2(GATA3):c.708C>A (p.Pro236=)

Gene: GATA3 (GATA binding protein 3; plus strand). Cytogenetic location: 10p14.
Variant type: single nucleotide variant.
Coding change: c.708C>A on transcript NM_001002295.2 (MANE Select); coding-DNA position 708, C replaced by A.
Protein change: p.Pro236=; no amino-acid change (proline 236 retained).
Molecular consequence: synonymous variant.
Genome position (GRCh38, 1-based): chr10:8,058,771, C>A. VCF-style: chr10-8058771-C-A. GRCh37 (hg19) VCF-style: chr10-8100734-C-A.
Other names: c.708C>A, p.Pro236= (NM_002051.3).
Identifiers: ClinVar variation 879111 (VCV000879111.5), dbSNP rs143582578, ClinGen allele CA5404436.
Genomic context (GRCh38, chr10:8,058,771, plus strand): 5'-CCACCCCATCACCACCTACCCGCCCTACGTGCCCGAGTACAGCTCCGGACTCTTCCCCCC[C>A]AGCAGCCTGCTGGGCGGCTCCCCCACCGGCTTCGGATGCAAGTCCAGGCCCAAGGCCCGG-3'
Protein context (NP_001002295.1, residues 226-246): VPEYSSGLFP[Pro236=]SSLLGGSPTG